The following is an entry in ClinVar:

ClinVar aggregate classification (germline): Uncertain significance (1 of 4 stars; one submission).

Conditions:
Noonan syndrome 9 (NS9). Identifiers: Orphanet 648, MedGen C4225282, MONDO:0014691, OMIM 616559.

Submission:

Labcorp Genetics (formerly Invitae), Labcorp
Classification: Uncertain significance for Noonan syndrome 9. Last evaluated: 2023-05-25. Review status: criteria provided, single submitter. Criteria: Invitae Variant Classification Sherloc (09022015). Collection method: clinical testing. Allele origin: germline.
Comment: In summary, the available evidence is currently insufficient to determine the role of this variant in disease. Therefore, it has been classified as a Variant of Uncertain Significance. Algorithms developed to predict the effect of sequence changes on RNA splicing suggest that this variant may disrupt the consensus splice site. Advanced modeling of protein sequence and biophysical properties (such as structural, functional, and spatial information, amino acid conservation, physicochemical variation, residue mobility, and thermodynamic stability) performed at Invitae indicates that this missense variant is not expected to disrupt SOS2 protein function. This variant has not been reported in the literature in individuals affected with SOS2-related conditions. This variant is not present in population databases (gnomAD no frequency). This sequence change replaces threonine, which is neutral and polar, with serine, which is neutral and polar, at codon 1048 of the SOS2 protein (p.Thr1048Ser).

NM_006939.4(SOS2):c.3142A>T (p.Thr1048Ser)

Gene: SOS2 (SOS Ras/Rho guanine nucleotide exchange factor 2; minus strand). Cytogenetic location: 14q21.3.
Variant type: single nucleotide variant.
Coding change: c.3142A>T on transcript NM_006939.4 (MANE Select); coding-DNA position 3142, A replaced by T.
Protein change: p.Thr1048Ser; replaces threonine 1048 with serine.
Molecular consequence: missense variant.
Genome position (GRCh38, 1-based): chr14:50,130,696, T>A on the plus strand (A>T on the coding strand, the complement: SOS2 is on the minus strand). VCF-style: chr14-50130696-T-A. GRCh37 (hg19) VCF-style: chr14-50597414-T-A.
Other names: c.3043A>T, p.Thr1015Ser (NM_001411020.1); short protein forms T1015S, T1048S.
Identifiers: ClinVar variation 2719825 (VCV002719825.3), dbSNP rs2502826524, ClinGen allele CA389640901.